The following is an entry in ClinVar:

ClinVar aggregate classification (germline): Uncertain significance (1 of 4 stars; one submission).

Conditions:
Early-infantile DEE. Also called: Early infantile epileptic encephalopathy with suppression bursts; Ohtahara syndrome; Early infantile epileptic encephalopathy. Identifiers: Orphanet 1934, MedGen C0393706, MONDO:0800491.

Allele frequency attached by ClinVar (database versions not stated): gnomAD exomes below 0.00001.
gnomAD v4.1: 3 of 1,613,584 alleles (0.00019%); highest among the groups gnomAD compares: Non-Finnish European, 0.00025%; no homozygotes.

Submission:

Labcorp Genetics (formerly Invitae), Labcorp
Classification: Uncertain significance for Early-infantile DEE. Last evaluated: 2020-02-06. Review status: criteria provided, single submitter. Criteria: Invitae Variant Classification Sherloc (09022015). Collection method: clinical testing. Allele origin: germline.
Comment: In summary, the available evidence is currently insufficient to determine the role of this variant in disease. Therefore, it has been classified as a Variant of Uncertain Significance. Algorithms developed to predict the effect of missense changes on protein structure and function are either unavailable or do not agree on the potential impact of this missense change (SIFT: "Deleterious"; PolyPhen-2: "Benign"; Align-GVGD: "Class C0"). This variant has not been reported in the literature in individuals with HCN1-related conditions. This variant is not present in population databases (ExAC no frequency). This sequence change replaces methionine with valine at codon 243 of the HCN1 protein (p.Met243Val). The methionine residue is highly conserved and there is a small physicochemical difference between methionine and valine.

NM_021072.4(HCN1):c.727A>G (p.Met243Val)

Gene: HCN1 (hyperpolarization activated cyclic nucleotide gated potassium channel 1; minus strand). Cytogenetic location: 5p12.
Variant type: single nucleotide variant.
Coding change: c.727A>G on transcript NM_021072.4 (MANE Select); coding-DNA position 727, A replaced by G.
Protein change: p.Met243Val; replaces methionine 243 with valine.
Molecular consequence: missense variant.
Genome position (GRCh38, 1-based): chr5:45,645,307, T>C on the plus strand (A>G on the coding strand, the complement: HCN1 is on the minus strand). VCF-style: chr5-45645307-T-C. GRCh37 (hg19) VCF-style: chr5-45645409-T-C.
Other names: short protein forms M243V.
Identifiers: ClinVar variation 999614 (VCV000999614.9), dbSNP rs1745528879, ClinGen allele CA359707250.
Genomic context (GRCh38, chr5:45,645,307, plus strand): 5'-GAATTTTTGTAAACCTCACAATGCGAAGTGCCCTGGCTGTCTTGTAAACTTCAGAATCCA[T>C]TCCTTTTTCTACAATAAGAAAGATATAATCCACTGGGATGGATGAGATGAAGTCAACCAC-3'
Protein context (NP_066550.2, residues 233-253): DYIFLIVEKG[Met243Val]DSEVYKTARA